The following is an entry in ClinVar:

NM_021098.3(CACNA1H):c.4289T>C (p.Ile1430Thr)

Gene: CACNA1H (calcium voltage-gated channel subunit alpha1 H; plus strand). Cytogenetic location: 16p13.3.
Variant type: single nucleotide variant.
Coding change: c.4289T>C on transcript NM_021098.3 (MANE Select); coding-DNA position 4289, T replaced by C.
Protein change: p.Ile1430Thr; replaces isoleucine 1430 with threonine.
Molecular consequence: missense variant.
Genome position (GRCh38, 1-based): chr16:1,211,233, T>C. VCF-style: chr16-1211233-T-C. GRCh37 (hg19) VCF-style: chr16-1261233-T-C.
Other names: c.4289T>C, p.Ile1430Thr (NM_001005407.2); short protein forms I1430T.
Identifiers: ClinVar variation 3347602 (VCV003347602.1).
Genomic context (GRCh38, chr16:1,211,233, plus strand): 5'-TCAGCCGGGCCCCGGGCCTCAAGCTGGTGGTGGAGACGCTGATATCATCACTCAGGCCCA[T>C]TGGGAACATCGTCCTCATCTGCTGCGCCTTCTTCATCATTTTTGGCATTTTGGGTGTGCA-3'
Protein context (NP_066921.2, residues 1420-1440): VETLISSLRP[Ile1430Thr]GNIVLICCAF

ClinVar aggregate classification (germline): Uncertain significance (0 of 4 stars; one submission).

Conditions:
CACNA1H-related disorder.

Submission:

PreventionGenetics, part of Exact Sciences
Classification: Uncertain significance for CACNA1H-related condition. Last evaluated: 2024-07-17. Review status: no assertion criteria provided. Collection method: clinical testing. Allele origin: germline.
Comment: The CACNA1H c.4289T>C variant is predicted to result in the amino acid substitution p.Ile1430Thr. This variant has been reported in the somatic context in an aldosterone-producing adenoma of one individual; in vitro studies in a human adrenal cell line suggest this variant results in increased aldosterone biosynthesis (Nanba et al. 2020. PubMed ID: 31983310). To our knowledge, this variant has not been reported in the germline context in an individual with CACNA1H-related disorders. This variant has not been reported in a large population database, indicating this variant is rare. At this time, the clinical significance of this variant is uncertain due to the absence of conclusive functional and genetic evidence.